The following is an entry in ClinVar:

ClinVar aggregate classification (germline): Uncertain significance (1 of 4 stars; one submission).

Submission:

GeneDx
Classification: Uncertain significance. Last evaluated: 2023-06-28. Review status: criteria provided, single submitter. Criteria: GeneDx Variant Classification Process June 2021. Collection method: clinical testing. Allele origin: germline. Affected: yes.
Comment: Not observed at significant frequency in large population cohorts (gnomAD); In silico analysis supports that this missense variant has a deleterious effect on protein structure/function; Has not been previously published as pathogenic or benign to our knowledge

NM_003611.3(OFD1):c.2207C>T (p.Ser736Phe)

Gene: OFD1 (OFD1 centriole and centriolar satellite protein; plus strand). Cytogenetic location: Xp22.2.
Variant type: single nucleotide variant.
Coding change: c.2207C>T on transcript NM_003611.3 (MANE Select); coding-DNA position 2207, C replaced by T.
Protein change: p.Ser736Phe; replaces serine 736 with phenylalanine.
Molecular consequence: missense variant.
Genome position (GRCh38, 1-based): chrX:13,760,667, C>T. VCF-style: chrX-13760667-C-T. GRCh37 (hg19) VCF-style: chrX-13778786-C-T.
Other names: c.2087C>T, p.Ser696Phe (NM_001330209.2); c.1787C>T, p.Ser596Phe (NM_001330210.2); short protein forms S596F, S696F, S736F.
Identifiers: ClinVar variation 3360493 (VCV003360493.1).